The following is an entry in ClinVar:

ClinVar aggregate classification (germline): Uncertain significance. Review status: criteria provided, multiple submitters, no conflicts (2 of 4 stars). 3 submissions from 3 submitters: Uncertain significance (2). 1 of the submissions does not count toward it. Last evaluated 2024-07-06.

Conditions:
Hereditary spastic paraplegia 49 (HSAN9). Also called: NEUROPATHY, HEREDITARY SENSORY AND AUTONOMIC, TYPE IX, WITH DEVELOPMENTAL DELAY; Spastic paraplegia 49, autosomal recessive; TECPR2-Related Hereditary Sensory and Autonomic Neuropathy with Intellectual Disability. Identifiers: Orphanet 320385, MedGen C5190860, MONDO:0014016, OMIM 615031.
Inborn genetic diseases. Identifiers: MedGen C0950123, MeSH D030342.

Allele frequency attached by ClinVar (database versions not stated): gnomAD exomes 0.00015 and 0.00010; ExAC 0.00017; gnomAD 0.00012 and 0.00013; ESP Exome Variant Server 0.00023; TOPMed 0.00025.
gnomAD v4.1: 163 of 1,605,892 alleles (0.01%); highest among the groups gnomAD compares: Admixed American, 0.051%; no homozygotes.

Submissions (3):

Ambry Genetics
Classification: Uncertain significance for Inborn genetic diseases. Last evaluated: 2024-07-06. Review status: criteria provided, single submitter. Criteria: Ambry Variant Classification Scheme 2023. Collection method: clinical testing. Allele origin: germline.

Labcorp Genetics (formerly Invitae), Labcorp
Classification: Uncertain significance for Hereditary spastic paraplegia 49. Last evaluated: 2022-01-14. Review status: criteria provided, single submitter. Criteria: Invitae Variant Classification Sherloc (09022015). Collection method: clinical testing. Allele origin: germline.
Comment: This sequence change replaces threonine, which is neutral and polar, with methionine, which is neutral and non-polar, at codon 1201 of the TECPR2 protein (p.Thr1201Met). This variant is present in population databases (rs377706262, gnomAD 0.05%). This variant has not been reported in the literature in individuals affected with TECPR2-related conditions. ClinVar contains an entry for this variant (Variation ID: 653066). Algorithms developed to predict the effect of missense changes on protein structure and function are either unavailable or do not agree on the potential impact of this missense change (SIFT: "Tolerated"; PolyPhen-2: "Possibly Damaging"; Align-GVGD: "Class C0"). In summary, the available evidence is currently insufficient to determine the role of this variant in disease. Therefore, it has been classified as a Variant of Uncertain Significance.

Natera, Inc.
Classification: Uncertain significance for Autosomal recessive spastic paraplegia type 49. Last evaluated: 2020-01-24. Review status: no assertion criteria provided. Collection method: clinical testing. Allele origin: germline. Not counted in ClinVar's aggregate classification.

NM_014844.5(TECPR2):c.3602C>T (p.Thr1201Met)

Gene: TECPR2 (tectonin beta-propeller repeat containing 2; plus strand). Cytogenetic location: 14q32.31.
Variant type: single nucleotide variant.
Coding change: c.3602C>T on transcript NM_014844.5 (MANE Select); coding-DNA position 3602, C replaced by T.
Protein change: p.Thr1201Met; replaces threonine 1201 with methionine.
Molecular consequence: missense variant.
Genome position (GRCh38, 1-based): chr14:102,452,589, C>T. VCF-style: chr14-102452589-C-T. GRCh37 (hg19) VCF-style: chr14-102918926-C-T.
Other names: c.3602C>T, p.Thr1201Met (NM_001172631.3); short protein forms T1201M.
Identifiers: ClinVar variation 653066 (VCV000653066.9), dbSNP rs377706262, ClinGen allele CA7358287.